The following is an entry in ClinVar:

NM_002354.3(EPCAM):c.37C>G (p.Leu13Val)

Gene: EPCAM (epithelial cell adhesion molecule; plus strand). Cytogenetic location: 2p21.
Variant type: single nucleotide variant.
Coding change: c.37C>G on transcript NM_002354.3 (MANE Select); coding-DNA position 37, C replaced by G.
Protein change: p.Leu13Val; replaces leucine 13 with valine.
Molecular consequence: missense variant.
Genome position (GRCh38, 1-based): chr2:47,369,542, C>G. VCF-style: chr2-47369542-C-G. GRCh37 (hg19) VCF-style: chr2-47596681-C-G.
Other names: short protein forms L13V.
Identifiers: ClinVar variation 4018585 (VCV004018585.1).

ClinVar aggregate classification (germline): Uncertain significance (1 of 4 stars; one submission).

Conditions:
Hereditary cancer-predisposing syndrome. Also called: Tumor predisposition; Hereditary neoplastic syndrome; Neoplastic Syndromes, Hereditary; Hereditary Cancer Syndrome. Identifiers: Orphanet 140162, MedGen C0027672, MeSH D009386, MONDO:0015356.

Submission:

Ambry Genetics
Classification: Uncertain significance for Hereditary cancer-predisposing syndrome. Last evaluated: 2025-06-03. Review status: criteria provided, single submitter. Criteria: Ambry Variant Classification Scheme 2023. Collection method: clinical testing. Allele origin: germline.
Comment: The p.L13V variant (also known as c.37C>G), located in coding exon 1 of the EPCAM gene, results from a C to G substitution at nucleotide position 37. The leucine at codon 13 is replaced by valine, an amino acid with highly similar properties. This amino acid position is conserved. In addition, this alteration is predicted to be tolerated by in silico analysis. Based on the available evidence, the clinical significance of this variant remains unclear.